The following is an entry in ClinVar:

NM_005228.5(EGFR):c.734A>C (p.Glu245Ala)

Gene: EGFR (epidermal growth factor receptor; plus strand). Cytogenetic location: 7p11.2.
Variant type: single nucleotide variant.
Coding change: c.734A>C on transcript NM_005228.5 (MANE Select); coding-DNA position 734, A replaced by C.
Protein change: p.Glu245Ala; replaces glutamic acid 245 with alanine.
Molecular consequence: missense variant. On other transcripts: intron variant (1).
Genome position (GRCh38, 1-based): chr7:55,152,651, A>C. VCF-style: chr7-55152651-A-C. GRCh37 (hg19) VCF-style: chr7-55220344-A-C.
Other names: c.599A>C, p.Glu200Ala (NM_001346897.2, NM_001346899.2); c.734A>C, p.Glu245Ala (NM_001346898.2, NM_201282.2, NM_201283.2 and 1 more transcripts); c.575A>C, p.Glu192Ala (NM_001346900.2); c.89-3179A>C (NM_001346941.2); short protein forms E192A, E245A, E200A.
Identifiers: ClinVar variation 2758013 (VCV002758013.3), dbSNP rs1785217403, ClinGen allele CA367577542.

ClinVar aggregate classification (germline): Uncertain significance (1 of 4 stars; one submission).

Conditions:
EGFR-related lung cancer (EGFR). Identifiers: MedGen CN130014.

Submission:

Labcorp Genetics (formerly Invitae), Labcorp
Classification: Uncertain significance for EGFR-related lung cancer. Last evaluated: 2023-09-05. Review status: criteria provided, single submitter. Criteria: Invitae Variant Classification Sherloc (09022015). Collection method: clinical testing. Allele origin: germline.
Comment: This sequence change replaces glutamic acid, which is acidic and polar, with alanine, which is neutral and non-polar, at codon 245 of the EGFR protein (p.Glu245Ala). This variant is not present in population databases (gnomAD no frequency). This variant has not been reported in the literature in individuals affected with EGFR-related conditions. Advanced modeling of protein sequence and biophysical properties (such as structural, functional, and spatial information, amino acid conservation, physicochemical variation, residue mobility, and thermodynamic stability) performed at Invitae indicates that this missense variant is not expected to disrupt EGFR protein function. In summary, the available evidence is currently insufficient to determine the role of this variant in disease. Therefore, it has been classified as a Variant of Uncertain Significance.